The following is an entry in ClinVar:

NC_000023.10:g.(?_38169848)_(38182797_?)dup

Gene: RPGR (retinitis pigmentosa GTPase regulator; minus strand). Cytogenetic location: Xp11.4.
Variant type: Duplication.
Identifiers: ClinVar variation 2422900 (VCV002422900.12).

ClinVar aggregate classification (germline): Uncertain significance (1 of 4 stars; one submission).

Conditions:
Primary ciliary dyskinesia. Also called: Ciliary dyskinesia. Identifiers: Orphanet 244, MedGen C0008780, MONDO:0016575, HP:0012265.

Submission:

Labcorp Genetics (formerly Invitae), Labcorp
Classification: Uncertain significance for Primary ciliary dyskinesia. Last evaluated: 2021-11-16. Review status: criteria provided, single submitter. Criteria: Invitae Variant Classification Sherloc (09022015). Collection method: clinical testing. Allele origin: germline.
Comment: In summary, the available evidence is currently insufficient to determine the role of this variant in disease. Therefore, it has been classified as a Variant of Uncertain Significance. Experimental studies and prediction algorithms are not available or were not evaluated, and the functional significance of this variant is currently unknown. This variant has not been reported in the literature in individuals affected with RPGR-related conditions. This variant results in a copy number gain of the genomic region encompassing exon(s) 2-7 of the RPGR gene. While the exact position of this variant cannot be determined from the data, sub-genic copy number gains are generally in tandem (PMID: 25640679). This variant is predicted to be in-frame, and likely preserves the integrity of the reading frame.

Literature cited by the submitters: PubMed 25640679.